The following is an entry in ClinVar:

ClinVar aggregate classification (germline): Likely pathogenic (1 of 4 stars; one submission).

Conditions:
Neurofibromatosis, type 1 (NF1). Also called: NEUROFIBROMATOSIS, TYPE I, SOMATIC; Peripheral type neurofibromatosis; Neurofibromatosis, type I; VON RECKLINGHAUSEN DISEASE. Identifiers: Orphanet 636, MedGen C0027831, MONDO:0018975, OMIM 162200. Disease mechanism: loss of function.

Submission:

Division of Genetic & Genomic Pathology, Hong Kong Children's Hospital
Classification: Likely pathogenic for Neurofibromatosis, type 1. Last evaluated: 2025-07-11. Review status: criteria provided, single submitter. Criteria: ACMG Guidelines, 2015. Collection method: clinical testing. Allele origin: germline. Affected: yes.
Comment: NF1 c.6811G>T p.(Glu2271Ter) is a nonsense variant in exon 45 (out of 57 exons) in the NF1 gene. It creates a premature stop codon and is predicted to cause loss of protein function through non-sense mediated mRNA decay. The variant is absent in population control exomes and genomes (gnomAD v4.1.0 and gnomAD v2.1.1). It has not been reported in the clinical databases or in the literature. For these reasons, the variant is classified as likely pathogenic.

NM_001042492.3(NF1):c.6874G>T (p.Glu2292Ter)

Gene: NF1 (neurofibromin 1; plus strand). Cytogenetic location: 17q11.2.
Variant type: single nucleotide variant.
Coding change: c.6874G>T on transcript NM_001042492.3 (MANE Select); coding-DNA position 6874, G replaced by T.
Protein change: p.Glu2292Ter; replaces glutamic acid 2292 with a stop codon.
Molecular consequence: nonsense.
Genome position (GRCh38, 1-based): chr17:31,338,758, G>T. VCF-style: chr17-31338758-G-T. GRCh37 (hg19) VCF-style: chr17-29665776-G-T.
Other names: c.6811G>T, p.Glu2271Ter (NM_000267.4); short protein forms E2292*, E2271*.
Identifiers: ClinVar variation 5020095 (VCV005020095.1).